The following is an entry in ClinVar:

NM_000245.4(MET):c.2888-16_2888-13del

Gene: MET (MET proto-oncogene, receptor tyrosine kinase; plus strand). Cytogenetic location: 7q31.2.
Variant type: Microsatellite.
Coding change: c.2888-16_2888-13del on transcript NM_000245.4 (MANE Select); 16 bases into the intron before coding-DNA position 2888 through 13 bases into the intron before coding-DNA position 2888, 4 bases deleted (TTCT; older notation c.2888-16_2888-13delTTCT).
Molecular consequence: intron variant.
Genome position (GRCh38, 1-based): chr7:116,771,833-116,771,836, TTCT deleted; deleting any 4 consecutive bases within chr7:116,771,826-116,771,836 gives the same sequence; the c. name uses the placement nearest the transcript's 3' end. VCF-style (leftmost placement, unchanged base first): chr7-116771825-CTCTT-C. GRCh37 (hg19) VCF-style: chr7-116411879-CTCTT-C.
Other names: c.2942-16_2942-13del (NM_001127500.3); c.1598-16_1598-13del (NM_001324402.2).
Identifiers: ClinVar variation 1614334 (VCV001614334.9), dbSNP rs747887276, ClinGen allele CA4448609.

ClinVar aggregate classification (germline): Likely benign. Review status: criteria provided, multiple submitters, no conflicts (2 of 4 stars). 2 submissions from 2 submitters: Likely benign (2). Last evaluated 2026-01-06.

Conditions:
Renal cell carcinoma. Identifiers: Orphanet 217071, MedGen C0007134, MeSH D002292, MONDO:0005086, HP:0005584.
Papillary renal cell carcinoma type 1 (RCCP1). Also called: Renal adenocarcinoma; Renal cell carcinoma 1; Renal cell carcinoma, somatic; RENAL CELL CARCINOMA, PAPILLARY, 1, SOMATIC. Identifiers: Orphanet 47044, MedGen C1336839, OMIM 605074, HP:0011797.

Submissions (2):

Labcorp Genetics (formerly Invitae), Labcorp
Classification: Likely benign for Renal cell carcinoma. Last evaluated: 2026-01-06. Review status: criteria provided, single submitter. Criteria: Invitae Variant Classification Sherloc (09022015). Collection method: clinical testing. Allele origin: germline.

Myriad Genetics, Inc.
Classification: Likely benign for Papillary renal cell carcinoma type 1. Last evaluated: 2024-11-12. Review status: criteria provided, single submitter. Criteria: Myriad Autosomal Dominant, Autosomal Recessive and X-Linked Classification Criteria (2023). Collection method: clinical testing. Allele origin: unknown.
Comment: This variant is considered likely benign. This variant is intronic and is not expected to impact mRNA splicing.